The following is an entry in ClinVar:

ClinVar aggregate classification (germline): Uncertain significance (1 of 4 stars; one submission).

Conditions:
Congenital disorder of deglycosylation (CDDG). Identifiers: MedGen C3808991, MONDO:0031376.

Allele frequency attached by ClinVar (database versions not stated): ExAC 0.00001; gnomAD exomes 0.00001.
gnomAD v4.1: 2 of 1,613,534 alleles (0.00012%); highest among the groups gnomAD compares: Non-Finnish European, 0.000085%; no homozygotes.

Submission:

Labcorp Genetics (formerly Invitae), Labcorp
Classification: Uncertain significance for Congenital disorder of deglycosylation. Last evaluated: 2021-08-28. Review status: criteria provided, single submitter. Criteria: Invitae Variant Classification Sherloc (09022015). Collection method: clinical testing. Allele origin: germline.
Comment: This sequence change replaces alanine with threonine at codon 327 of the NGLY1 protein (p.Ala327Thr). The alanine residue is highly conserved and there is a small physicochemical difference between alanine and threonine. This variant is present in population databases (rs765674070, ExAC no frequency). This variant has not been reported in the literature in individuals affected with NGLY1-related conditions. Algorithms developed to predict the effect of missense changes on protein structure and function are either unavailable or do not agree on the potential impact of this missense change (SIFT: "Deleterious"; PolyPhen-2: "Possibly Damaging"; Align-GVGD: "Class C0"). In summary, the available evidence is currently insufficient to determine the role of this variant in disease. Therefore, it has been classified as a Variant of Uncertain Significance.

NM_018297.4(NGLY1):c.979G>A (p.Ala327Thr)

Gene: NGLY1 (N-glycanase 1; minus strand). Cytogenetic location: 3p24.2.
Variant type: single nucleotide variant.
Coding change: c.979G>A on transcript NM_018297.4 (MANE Select); coding-DNA position 979, G replaced by A.
Protein change: p.Ala327Thr; replaces alanine 327 with threonine.
Molecular consequence: missense variant.
Genome position (GRCh38, 1-based): chr3:25,737,358, C>T on the plus strand (G>A on the coding strand, the complement: NGLY1 is on the minus strand). VCF-style: chr3-25737358-C-T. GRCh37 (hg19) VCF-style: chr3-25778849-C-T.
Other names: c.979G>A, p.Ala327Thr (NM_001145293.2, NM_001145295.2); c.853G>A, p.Ala285Thr (NM_001145294.2); short protein forms A327T, A285T.
Identifiers: ClinVar variation 952463 (VCV000952463.4), dbSNP rs765674070, ClinGen allele CA2289328.